The following is an entry in ClinVar:

ClinVar aggregate classification (germline): Uncertain significance. Review status: criteria provided, multiple submitters, no conflicts (2 of 4 stars). 2 submissions from 2 submitters: Uncertain significance (2). Last evaluated 2024-12-15.

Conditions:
Acrocallosal syndrome (ACLS). Also called: HALLUX DUPLICATION, POSTAXIAL POLYDACTYLY, AND ABSENCE OF CORPUS CALLOSUM; Schinzel syndrome 1; Absence of corpus callosum with unusual facial appearance, mental deficiency, duplication of the halluces and polydactyly. Identifiers: Orphanet 36, MedGen C0796147, MONDO:0008708, OMIM 200990.
Inborn genetic diseases. Identifiers: MedGen C0950123, MeSH D030342.

Allele frequency attached by ClinVar (database versions not stated): gnomAD 0.00001; gnomAD exomes 0.00001 and 0.00003; TOPMed 0.00004.

Submissions (2):

Ambry Genetics
Classification: Uncertain significance for Inborn genetic diseases. Last evaluated: 2024-12-15. Review status: criteria provided, single submitter. Criteria: Ambry Variant Classification Scheme 2023. Collection method: clinical testing. Allele origin: germline.

Labcorp Genetics (formerly Invitae), Labcorp
Classification: Uncertain significance for Acrocallosal syndrome. Last evaluated: 2024-01-02. Review status: criteria provided, single submitter. Criteria: Invitae Variant Classification Sherloc (09022015). Collection method: clinical testing. Allele origin: germline.
Comment: This sequence change replaces aspartic acid, which is acidic and polar, with glutamic acid, which is acidic and polar, at codon 52 of the KIF7 protein (p.Asp52Glu). This variant is present in population databases (no rsID available, gnomAD 0.008%). This variant has not been reported in the literature in individuals affected with KIF7-related conditions. ClinVar contains an entry for this variant (Variation ID: 1502053). Advanced modeling of protein sequence and biophysical properties (such as structural, functional, and spatial information, amino acid conservation, physicochemical variation, residue mobility, and thermodynamic stability) performed at Invitae indicates that this missense variant is not expected to disrupt KIF7 protein function with a negative predictive value of 80%. In summary, the available evidence is currently insufficient to determine the role of this variant in disease. Therefore, it has been classified as a Variant of Uncertain Significance.

NM_198525.3(KIF7):c.156C>A (p.Asp52Glu)

Gene: KIF7 (kinesin family member 7; minus strand). Cytogenetic location: 15q26.1.
Variant type: single nucleotide variant.
Coding change: c.156C>A on transcript NM_198525.3 (MANE Select); coding-DNA position 156, C replaced by A.
Protein change: p.Asp52Glu; replaces aspartic acid 52 with glutamic acid.
Molecular consequence: missense variant.
Genome position (GRCh38, 1-based): chr15:89,652,775, G>T on the plus strand (C>A on the coding strand, the complement: KIF7 is on the minus strand). VCF-style: chr15-89652775-G-T. GRCh37 (hg19) VCF-style: chr15-90196006-G-T.
Other names: c.156C>A (NM_198525.2); short protein forms D52E.
Identifiers: ClinVar variation 1502053 (VCV001502053.7), dbSNP rs1203068941, ClinGen allele CA393780332.